The following is an entry in ClinVar:

NM_002480.3(PPP1R12A):c.2336C>A (p.Thr779Asn)

Gene: PPP1R12A (protein phosphatase 1 regulatory subunit 12A; minus strand). Cytogenetic location: 12q21.2.
Variant type: single nucleotide variant.
Coding change: c.2336C>A on transcript NM_002480.3 (MANE Select); coding-DNA position 2336, C replaced by A.
Protein change: p.Thr779Asn; replaces threonine 779 with asparagine.
Molecular consequence: missense variant.
Genome position (GRCh38, 1-based): chr12:79,796,907, G>T on the plus strand (C>A on the coding strand, the complement: PPP1R12A is on the minus strand). VCF-style: chr12-79796907-G-T. GRCh37 (hg19) VCF-style: chr12-80190687-G-T.
Other names: c.2336C>A, p.Thr779Asn (NM_001143885.2, NM_001244990.2); c.2075C>A, p.Thr692Asn (NM_001143886.2); c.2168C>A, p.Thr723Asn (NM_001244992.1); short protein forms T692N, T779N, T723N.
Identifiers: ClinVar variation 3691138 (VCV003691138.2).

ClinVar aggregate classification (germline): Uncertain significance (1 of 4 stars; one submission).

gnomAD v4.1: 1 of 1,612,762 alleles (0.000062%); highest among the groups gnomAD compares: Non-Finnish European, 0.000085%; no homozygotes.

Submission:

Labcorp Genetics (formerly Invitae), Labcorp
Classification: Uncertain significance. Last evaluated: 2025-10-02. Review status: criteria provided, single submitter. Criteria: Invitae Variant Classification Sherloc (09022015). Collection method: clinical testing. Allele origin: germline.
Comment: This sequence change replaces threonine, which is neutral and polar, with asparagine, which is neutral and polar, at codon 779 of the PPP1R12A protein (p.Thr779Asn). This variant is not present in population databases (gnomAD no frequency). This variant has not been reported in the literature in individuals affected with PPP1R12A-related conditions. ClinVar contains an entry for this variant (Variation ID: 3691138). An algorithm developed to predict the effect of missense changes on protein structure and function (PolyPhen-2) suggests that this variant is likely to be tolerated. In summary, the available evidence is currently insufficient to determine the role of this variant in disease. Therefore, it has been classified as a Variant of Uncertain Significance.